The following is an entry in ClinVar:

ClinVar aggregate classification (germline): Uncertain significance. Review status: criteria provided, multiple submitters, no conflicts (2 of 4 stars). 5 submissions from 5 submitters: Uncertain significance (5). Last evaluated 2025-12-15.

Conditions:
Cardiovascular phenotype. Identifiers: MedGen CN230736.
Hypertrophic cardiomyopathy 14. Identifiers: MedGen C2750467, MONDO:0013197, OMIM 613251.
Atrial septal defect 3 (ASD3). Identifiers: Orphanet 1478, MedGen C3279790, MONDO:0013567, OMIM 614089.
Dilated cardiomyopathy 1EE (CMD1EE). Identifiers: Orphanet 154, MedGen C2750466, MONDO:0013198, OMIM 613252.
Sick sinus syndrome 3, susceptibility to (SSS3). Identifiers: Orphanet 166282, MedGen C3279791, MONDO:0013568, OMIM 614090.
Hypertrophic cardiomyopathy 1 (CMH1). Also called: Familial hypertrophic cardiomyopathy 1; MYH7-Related Familial Hypertrophic Cardiomyopathy. Identifiers: MedGen C3495498, MONDO:0008647, OMIM 192600.
MYH6-related disorder. Also called: MYH6-Related Disorders; MYH6-related condition.

Allele frequency attached by ClinVar (database versions not stated): TOPMed 0.00003; ExAC 0.00004; gnomAD 0.00008 and 0.00009.
gnomAD v4.1: 25 of 1,614,130 alleles (0.0015%); highest among the groups gnomAD compares: African/African-American, 0.015%; no homozygotes.

Submissions (5):

Labcorp Genetics (formerly Invitae), Labcorp
Classification: Uncertain significance for Hypertrophic cardiomyopathy 14. Last evaluated: 2025-12-15. Review status: criteria provided, single submitter. Criteria: Invitae Variant Classification Sherloc (09022015). Collection method: clinical testing. Allele origin: germline.
Comment: This sequence change replaces threonine, which is neutral and polar, with methionine, which is neutral and non-polar, at codon 68 of the MYH6 protein (p.Thr68Met). This variant is present in population databases (rs751285148, gnomAD 0.01%). This variant has not been reported in the literature in individuals affected with MYH6-related conditions. ClinVar contains an entry for this variant (Variation ID: 859305). An algorithm developed to predict the effect of missense changes on protein structure and function (PolyPhen-2) suggests that this variant is likely to be disruptive. In summary, the available evidence is currently insufficient to determine the role of this variant in disease. Therefore, it has been classified as a Variant of Uncertain Significance.

PreventionGenetics, part of Exact Sciences
Classification: Uncertain significance for MYH6-related condition. Last evaluated: 2025-03-19. Review status: criteria provided, single submitter. Criteria: ACMG Guidelines, 2015. Collection method: clinical testing. Allele origin: germline.
Comment: The MYH6 c.203C>T variant is predicted to result in the amino acid substitution p.Thr68Met. To our knowledge, this variant has not been reported in the literature. This variant is reported in 0.012% of alleles in individuals of African descent in gnomAD. At this time, the clinical significance of this variant is uncertain due to the absence of conclusive functional and genetic evidence.

Ambry Genetics
Classification: Uncertain significance for Cardiovascular phenotype. Last evaluated: 2024-07-07. Review status: criteria provided, single submitter. Criteria: Ambry Variant Classification Scheme 2023. Collection method: clinical testing. Allele origin: germline.
Comment: The p.T68M variant (also known as c.203C>T), located in coding exon 2 of the MYH6 gene, results from a C to T substitution at nucleotide position 203. The threonine at codon 68 is replaced by methionine, an amino acid with similar properties. This amino acid position is conserved. In addition, the in silico prediction for this alteration is inconclusive. Since supporting evidence is limited at this time, the clinical significance of this alteration remains unclear.

GeneDx
Classification: Uncertain significance. Last evaluated: 2022-09-14. Review status: criteria provided, single submitter. Criteria: GeneDx Variant Classification Process June 2021. Collection method: clinical testing. Allele origin: germline. Affected: yes.
Comment: In silico analysis supports that this missense variant has a deleterious effect on protein structure/function; Has not been previously published as pathogenic or benign to our knowledge

Fulgent Genetics
Classification: Uncertain significance for Hypertrophic cardiomyopathy 1; Hypertrophic cardiomyopathy 14; Dilated cardiomyopathy 1EE; Atrial septal defect 3; Sick sinus syndrome 3, susceptibility to. Last evaluated: 2021-08-13. Review status: criteria provided, single submitter. Criteria: ACMG Guidelines, 2015. Collection method: clinical testing. Allele origin: unknown.

NM_002471.4(MYH6):c.203C>T (p.Thr68Met)

Genes: MYH6 (myosin heavy chain 6; minus strand), LOC114827851 (VISTA enhancer hs2155; plus strand). Cytogenetic location: 14q11.2.
Variant type: single nucleotide variant.
Coding change: c.203C>T on transcript NM_002471.4 (MANE Select); coding-DNA position 203, C replaced by T.
Protein change: p.Thr68Met; replaces threonine 68 with methionine.
Molecular consequence: missense variant.
Genome position (GRCh38, 1-based): chr14:23,405,769, G>A on the plus strand (C>T on the coding strand, the complement: MYH6 is on the minus strand). VCF-style: chr14-23405769-G-A. GRCh37 (hg19) VCF-style: chr14-23874978-G-A.
Other names: short protein forms T68M.
Identifiers: ClinVar variation 859305 (VCV000859305.15), dbSNP rs751285148, ClinGen allele CA7116227.
Genomic context (GRCh38, chr14:23,405,769, plus strand): 5'-TCAATCTTGTCGAACTTGGGTGGGTTCTGCTGCAACACCTGGTCCTCCTTCACAGTCACC[G>A]TCTGGAGGGGGCGCATAAGCAGGAGGATGAGTGACCACAATCCCTCCGGGACCCTTGCCA-3'
Protein context (NP_002462.2, residues 58-78): KVIAETENGK[Thr68Met]VTVKEDQVLQ